The following is an entry in ClinVar:

ClinVar aggregate classification (germline): Uncertain significance (1 of 4 stars; one submission).

Allele frequency attached by ClinVar (database versions not stated): TOPMed below 0.00001.

Submission:

Ambry Genetics
Classification: Uncertain significance. Last evaluated: 2024-08-02. Review status: criteria provided, single submitter. Criteria: Ambry Variant Classification Scheme 2023. Collection method: clinical testing. Allele origin: germline.
Comment: The p.K157N variant (also known as c.471G>T), located in coding exon 3 of the MNDA gene, results from a G to T substitution at nucleotide position 471. The lysine at codon 157 is replaced by asparagine, an amino acid with similar properties. This amino acid position is conserved. In addition, this alteration is predicted to be tolerated by in silico analysis. Since supporting evidence is limited at this time, the clinical significance of this alteration remains unclear.

NM_002432.3(MNDA):c.471G>T (p.Lys157Asn)

Gene: MNDA (myeloid cell nuclear differentiation antigen; plus strand). Cytogenetic location: 1q23.1.
Variant type: single nucleotide variant.
Coding change: c.471G>T on transcript NM_002432.3 (MANE Select); coding-DNA position 471, G replaced by T.
Protein change: p.Lys157Asn; replaces lysine 157 with asparagine.
Molecular consequence: missense variant.
Genome position (GRCh38, 1-based): chr1:158,844,023, G>T. VCF-style: chr1-158844023-G-T. GRCh37 (hg19) VCF-style: chr1-158813813-G-T.
Other names: short protein forms K157N.
Identifiers: ClinVar variation 1742655 (VCV001742655.3), dbSNP rs1231517574, ClinGen allele CA343039273.